The following is an entry in ClinVar:

ClinVar aggregate classification (germline): Likely pathogenic (1 of 4 stars; one submission).

Conditions:
Neurodevelopmental disorder. Identifiers: MedGen C1535926, MeSH D065886, MONDO:0700092.

Submission:

Victorian Clinical Genetics Services, Murdoch Childrens Research Institute
Classification: Likely pathogenic for Neurodevelopmental disorder. Last evaluated: 2020-05-25. Review status: criteria provided, single submitter. Criteria: ACMG Guidelines, 2015. Collection method: clinical testing. Allele origin: germline. Inheritance: Autosomal recessive inheritance. Affected: yes.
Comment: Based on the classification scheme VCGS_Germline_v1.1.1, this variant is classified as Likely Pathogenic. Following criteria are met: 0105 - The mechanism of disease for this gene is not clearly established, however it is suspected to be loss-of-function (PMID: 30787422; PMID: 28097321). (N) 0106 - This gene is known to be associated with autosomal recessive disease (PMID: 30787422; PMID: 28097321). (N) 0201 - Variant is predicted to cause nonsense-mediated decay (NMD) and loss of protein (exon 4 of 10). (P) 0251 - Variant is heterozygous. (N) 0304 - Variant is present in gnomAD <0.01 for a recessive condition (1 heterozygote, 0 homozygotes). (P) 0402 - Variant is located in a gene associated with a severe early onset recessive condition that is intolerant to bi-allelic loss-of-function variants. (P) 0703 - Comparable variants have moderate previous evidence for pathogenicity. Two other variants predicted to result in NMD have been reported in patients with intellectual disability (PMID: 30787422; PMID: 28097321). (P) 0807 - Variant has not previously been reported in a clinical context. (N) 0905 - No segregation evidence has been identified for this variant. (N) 1007 - No published functional evidence has been identified for this variant. (N) Legend: (P) - Pathogenic, (N) - Neutral, (B) - Benign

Literature cited by the submitters: PubMed 28097321; PubMed 30787422.

NM_001130053.5(EEF1D):c.1114del (p.Phe371_Leu372insTer)

Gene: EEF1D (eukaryotic translation elongation factor 1 delta; minus strand). Cytogenetic location: 8q24.3.
Variant type: Deletion.
Coding change: c.1114del on transcript NM_001130053.5 (MANE Select); coding-DNA position 1114, one base deleted (C; older notation c.1114delC).
Protein change: p.Phe371_Leu372insTer.
Molecular consequence: nonsense.
Genome position (GRCh38, 1-based): chr8:143,586,830, G deleted on the plus strand (C on the coding strand, the reverse complement: EEF1D is on the minus strand); the first of 2 consecutive G bases (chr8:143,586,830-143,586,831); deleting either gives the same sequence. VCF-style (leftmost placement, unchanged base first): chr8-143586829-AG-A. GRCh37 (hg19) VCF-style: chr8-144668999-AG-A.
Other names: c.16del, p.Phe5_Leu6insTer (NM_001130055.4, NM_001130056.5, NM_001130057.4 and 5 more transcripts); c.1114del, p.Phe371_Leu372insTer (NM_032378.7).
Identifiers: ClinVar variation 1805560 (VCV001805560.1), dbSNP rs1333517857, ClinGen allele CA585424059.